The following is an entry in ClinVar:

NM_001830.4(CLCN4):c.948C>T (p.Leu316=)

Gene: CLCN4 (Cl-/H+ antiporter 4; plus strand). Cytogenetic location: Xp22.2.
Variant type: single nucleotide variant.
Coding change: c.948C>T on transcript NM_001830.4 (MANE Select); coding-DNA position 948, C replaced by T.
Protein change: p.Leu316=; no amino-acid change (leucine 316 retained).
Molecular consequence: synonymous variant.
Genome position (GRCh38, 1-based): chrX:10,208,149, C>T. VCF-style: chrX-10208149-C-T. GRCh37 (hg19) VCF-style: chrX-10176189-C-T.
Other names: c.666C>T, p.Leu222= (NM_001256944.2).
Identifiers: ClinVar variation 700937 (VCV000700937.15), dbSNP rs746958474, ClinGen allele CA10347160.

ClinVar aggregate classification (germline): Benign/Likely benign. Review status: criteria provided, multiple submitters, no conflicts (2 of 4 stars). 4 submissions from 4 submitters: Benign (2); Likely benign (1). 1 of the submissions does not count toward it. Last evaluated 2026-01-12.

Conditions:
CLCN4-related disorder. Identifiers: MedGen CN232948.

Allele frequency attached by ClinVar (database versions not stated): gnomAD below 0.00001 and 0.00003; TOPMed below 0.00001; gnomAD exomes 0.00011 and 0.00018; ExAC 0.00019.
gnomAD v4.1: 117 of 1,209,770 alleles (0.0097%); highest among the groups gnomAD compares: South Asian, 0.18%; no homozygotes.

Submissions (4):

Labcorp Genetics (formerly Invitae), Labcorp
Classification: Benign. Last evaluated: 2026-01-12. Review status: criteria provided, single submitter. Criteria: Invitae Variant Classification Sherloc (09022015). Collection method: clinical testing. Allele origin: germline.

Blueprint Genetics
Classification: Likely benign. Last evaluated: 2024-11-26. Review status: criteria provided, single submitter. Criteria: ACMG Guidelines, 2015. Collection method: clinical testing. Allele origin: germline.

GeneDx
Classification: Benign. Last evaluated: 2020-01-30. Review status: criteria provided, single submitter. Criteria: GeneDx Variant Classification Process June 2021. Collection method: clinical testing. Allele origin: germline. Affected: yes.

PreventionGenetics, part of Exact Sciences
Classification: Likely benign for CLCN4-related condition. Last evaluated: 2019-09-05. Review status: no assertion criteria provided. Collection method: clinical testing. Allele origin: germline. Not counted in ClinVar's aggregate classification.
Comment: This variant is classified as likely benign based on ACMG/AMP sequence variant interpretation guidelines (Richards et al. 2015 PMID: 25741868, with internal and published modifications).